The following is an entry in ClinVar:

ClinVar aggregate classification (germline): Conflicting classifications of pathogenicity. Review status: criteria provided, conflicting classifications (1 of 4 stars). 4 submissions from 4 submitters: Likely pathogenic (3); Uncertain significance (1). Last evaluated 2026-04-28.

Conditions:
Usher syndrome type 2A. Also called: USHER SYNDROME, TYPE IIA; RETINAL DISEASE IN USHER SYNDROME TYPE IIA, MODIFIER OF. Identifiers: Orphanet 231178, Orphanet 886, MedGen C1848634, MONDO:0010169, OMIM 276901.
USH2A-related disorder. Also called: USH2A-related condition; USH2A-related disorders. Identifiers: MedGen CN239332.

gnomAD v4.1: 2 of 1,613,926 alleles (0.00012%); highest among the groups gnomAD compares: Non-Finnish European, 0.00017%; no homozygotes.

Submissions (4):

Myriad Genetics, Inc.
Classification: Uncertain significance for USH2A-related disorder. Last evaluated: 2026-04-28. Review status: criteria provided, single submitter. Criteria: Myriad Autosomal Dominant, Autosomal Recessive and X-Linked Classification Criteria (2023). Collection method: clinical testing. Allele origin: unknown.
Comment: NM_206933.2(USH2A):c.1036A>G(N346D) is a missense variant classified as a variant of uncertain significance in the context of USH2A-related disorders. N346D has been observed in cases with relevant disease (PMID: 33749171, 38927702). Relevant functional assessments of this variant are not available in the literature. N346D has not been observed in referenced population frequency databases. In summary, there is insufficient evidence to classify NM_206933.2(USH2A):c.1036A>G(N346D) as pathogenic or benign. Please note: this variant was assessed in the context of healthy population screening.

Natera, Inc.
Classification: Likely pathogenic for Usher syndrome type 2A. Last evaluated: 2025-12-19. Review status: criteria provided, single submitter. Criteria: Natera Variant Classification Schema (03/2026). Collection method: clinical testing. Allele origin: germline.
Comment: The c.1036A>G variant in USH2A is a missense variant predicted to cause substitution of asparagine to aspartic acid at amino acid 346. This variant is rare in the general population with a frequency below the threshold expected for the associated phenotype(s). This variant has been observed in one or more individuals affected with the associated recessive disease, as either homozygous or compound heterozygous with a second variant (PMID: 33749171, 38088826, 38927702). A different variant at the same position has been determined to be Pathogenic or Likely Pathogenic. Computational prediction algorithms indicate this variant is likely to affect gene or protein function. Given the available evidence, this variant is classified as Likely Pathogenic.

Labcorp Genetics (formerly Invitae), Labcorp
Classification: Likely pathogenic. Last evaluated: 2023-07-28. Review status: criteria provided, single submitter. Criteria: Invitae Variant Classification Sherloc (09022015). Collection method: clinical testing. Allele origin: germline.
Comment: In summary, the currently available evidence indicates that the variant is pathogenic, but additional data are needed to prove that conclusively. Therefore, this variant has been classified as Likely Pathogenic. This variant disrupts the p.Asn346 amino acid residue in USH2A. Other variant(s) that disrupt this residue have been determined to be pathogenic (PMID: 24160897, 25521520, 26969326). This suggests that this residue is clinically significant, and that variants that disrupt this residue are likely to be disease-causing. Advanced modeling of protein sequence and biophysical properties (such as structural, functional, and spatial information, amino acid conservation, physicochemical variation, residue mobility, and thermodynamic stability) performed at Invitae indicates that this missense variant is expected to disrupt USH2A protein function. ClinVar contains an entry for this variant (Variation ID: 1465919). This variant has not been reported in the literature in individuals affected with USH2A-related conditions. This variant is not present in population databases (gnomAD no frequency). This sequence change replaces asparagine, which is neutral and polar, with aspartic acid, which is acidic and polar, at codon 346 of the USH2A protein (p.Asn346Asp).

Blueprint Genetics
Classification: Likely pathogenic for USH2A-related disorders. Last evaluated: 2022-04-07. Review status: criteria provided, single submitter. Criteria: ACMG Guidelines, 2015. Collection method: clinical testing. Allele origin: germline. Affected: yes. Observed: 4 variant alleles.

Literature cited by the submitters: PubMed 33749171 (cited by Myriad Genetics, Inc. and Natera, Inc.); PubMed 38927702 (cited by Myriad Genetics, Inc. and Natera, Inc.); PubMed 38088826 (cited by Natera, Inc.); PubMed 24160897 (cited by Labcorp Genetics (formerly Invitae), Labcorp); PubMed 25521520 (cited by Labcorp Genetics (formerly Invitae), Labcorp); PubMed 26969326 (cited by Labcorp Genetics (formerly Invitae), Labcorp).

NM_206933.4(USH2A):c.1036A>G (p.Asn346Asp)

Gene: USH2A (usherin; minus strand). Cytogenetic location: 1q41.
Variant type: single nucleotide variant.
Coding change: c.1036A>G on transcript NM_206933.4 (MANE Select); coding-DNA position 1036, A replaced by G.
Protein change: p.Asn346Asp; replaces asparagine 346 with aspartic acid.
Molecular consequence: missense variant.
Genome position (GRCh38, 1-based): chr1:216,325,412, T>C on the plus strand (A>G on the coding strand, the complement: USH2A is on the minus strand). VCF-style: chr1-216325412-T-C. GRCh37 (hg19) VCF-style: chr1-216498754-T-C.
Other names: c.1036A>G (NM_206933.2); c.1036A>G, p.Asn346Asp (NM_007123.6); short protein forms N346D.
Identifiers: ClinVar variation 1465919 (VCV001465919.9), dbSNP rs369522997, ClinGen allele CA344912394.